The following is an entry in ClinVar:

NM_000492.4(CFTR):c.598T>G (p.Phe200Val)

Gene: CFTR (CF transmembrane conductance regulator; plus strand). Cytogenetic location: 7q31.2.
Variant type: single nucleotide variant.
Coding change: c.598T>G on transcript NM_000492.4 (MANE Select); coding-DNA position 598, T replaced by G.
Protein change: p.Phe200Val; replaces phenylalanine 200 with valine.
Molecular consequence: missense variant.
Genome position (GRCh38, 1-based): chr7:117,535,266, T>G. VCF-style: chr7-117535266-T-G. GRCh37 (hg19) VCF-style: chr7-117175320-T-G.
Other names: short protein forms F200V.
Identifiers: ClinVar variation 689440 (VCV000689440.1), dbSNP rs397508766, ClinGen allele CA368976764.

ClinVar aggregate classification (germline): Uncertain significance (1 of 4 stars; one submission).

Conditions:
Cystic fibrosis (CF). Also called: MUCOVISCIDOSIS. Identifiers: Orphanet 586, MedGen C0010674, MONDO:0009061, OMIM 219700. Disease mechanism: loss of function.

Submission:

Johns Hopkins Genomics, Johns Hopkins University
Classification: Uncertain significance for Cystic fibrosis. Last evaluated: 2019-02-11. Review status: criteria provided, single submitter. Criteria: ACMG Guidelines, 2015. Collection method: clinical testing. Allele origin: germline.
Comment: This CFTR variant is absent from large population datasets and has not been reported in ClinVar not the literature, to our knowledge. Of two bioinformatics tools queried, one predicts that the substitution would be probably damaging, while the second predicts that it would be tolerated. The phenylalanine residue at this position is highly evolutionarily conserved across all but one species assessed. Bioinformatic analysis predicts that this variant would not affect normal exon 6 (legacy exon 6a) splicing, although this has not been confirmed experimentally to our knowledge. The clinical significance of c.598T>G is uncertain at this time.